The following is an entry in ClinVar:

ClinVar aggregate classification (germline): Uncertain significance. Review status: reviewed by expert panel (3 of 4 stars). 2 submissions from 2 submitters: Uncertain significance (1). 1 of the submissions does not count toward it. Last evaluated 2024-09-25.

Conditions:
Hereditary thrombocytopenia and hematologic cancer predisposition syndrome. Identifiers: Orphanet 71290, MedGen CN281654, MONDO:0011071.
Hereditary thrombocytopenia and hematological cancer predisposition syndrome associated with RUNX1. Also called: Familial Platelet Disorder with Propensity to Acute Myelogenous Leukemia; Familial thrombocytopenia with propensity to acute myelogenous leukemia; RUNX1 Familial Platelet Disorder with Associated Myeloid Malignancies; PLATELET DISORDER, ASPIRIN-LIKE. Identifiers: Orphanet 71290, MedGen C1832388, MeSH C563324, MONDO:0100083, OMIM 601399.

Submissions (2):

ClinGen Myeloid Malignancy Variant Curation Expert Panel
Classification: Uncertain significance for Hereditary thrombocytopenia and hematologic cancer predisposition syndrome. Last evaluated: 2024-09-25. Review status: reviewed by expert panel. Criteria: ClinGen MyeloMalig ACMG Specifications v2. Collection method: curation. Allele origin: germline. Inheritance: Autosomal dominant inheritance.
Comment: NM_001754.5(RUNX1):c.440C>T (p.Ala147Val) is a missense variant. This variant is completely absent from all population databases with at least 20x coverage for RUNX1 (PM2_Supporting). This variant affects a residue within the Runt Homology domain (AA 89-204) but does not affect an established hotspot residue (PM1_Supporting).. In summary, the clinical significance of this variant is uncertain. ACMG/AMP criteria applied, as specified by the Myeloid Malignancy Variant Curation Expert Panel for RUNX1: PM1_Supporting, PM2_Supporting.

Labcorp Genetics (formerly Invitae), Labcorp
Classification: Uncertain significance for Hereditary thrombocytopenia and hematological cancer predisposition syndrome associated with RUNX1. Last evaluated: 2021-09-20. Review status: criteria provided, single submitter. Criteria: Invitae Variant Classification Sherloc (09022015). Collection method: clinical testing. Allele origin: germline. Not counted in ClinVar's aggregate classification.
Comment: This sequence change replaces alanine with valine at codon 147 of the RUNX1 protein (p.Ala147Val). The alanine residue is moderately conserved and there is a small physicochemical difference between alanine and valine. This variant is not present in population databases (ExAC no frequency). This variant has not been reported in the literature in individuals affected with RUNX1-related conditions. Algorithms developed to predict the effect of missense changes on protein structure and function are either unavailable or do not agree on the potential impact of this missense change (SIFT: "Tolerated"; PolyPhen-2: "Probably Damaging"; Align-GVGD: "Class C0"). In summary, the available evidence is currently insufficient to determine the role of this variant in disease. Therefore, it has been classified as a Variant of Uncertain Significance.

NM_001754.5(RUNX1):c.440C>T (p.Ala147Val)

Genes: RUNX1-AS1 (RUNX1 antisense RNA 1; plus strand), RUNX1 (RUNX family transcription factor 1; minus strand). Cytogenetic location: 21q22.12.
Variant type: single nucleotide variant.
Coding change: c.440C>T on transcript NM_001754.5 (MANE Select); coding-DNA position 440, C replaced by T.
Protein change: p.Ala147Val; replaces alanine 147 with valine.
Molecular consequence: missense variant.
Genome position (GRCh38, 1-based): chr21:34,880,625, G>A on the plus strand (C>T on the coding strand, the complement: RUNX1 is on the minus strand). VCF-style: chr21-34880625-G-A. GRCh37 (hg19) VCF-style: chr21-36252922-G-A.
Other names: NM_001754.5(RUNX1):c.440C>T; p.Ala147Val; c.359C>T, p.Ala120Val (NM_001001890.3, NM_001122607.2); short protein forms A120V, A147V.
Identifiers: ClinVar variation 1415388 (VCV001415388.7), dbSNP rs2146361920, ClinGen allele CA410202603.
Genomic context (GRCh38, chr21:34,880,625, plus strand): 5'-CTTCGACCGACAAACCTGAGGTCATTAAATCTTGCAACCTGGTTCTTCATGGCTGCGGTA[G>A]CATTTCTCAGCTCAGCCGAGTAGTTTTCATCATTGCCAGCCATCACAGTGACCAGAGTGC-3'
Protein context (NP_001745.2, residues 137-157): DENYSAELRN[Ala147Val]TAAMKNQVAR